The following is an entry in ClinVar:

ClinVar aggregate classification (germline): Likely pathogenic (1 of 4 stars; one submission).

Submission:

Labcorp Genetics (formerly Invitae), Labcorp
Classification: Likely pathogenic. Last evaluated: 2026-01-12. Review status: criteria provided, single submitter. Criteria: Invitae Variant Classification Sherloc (09022015). Collection method: clinical testing. Allele origin: germline.
Comment: This sequence change replaces glycine, which is neutral and non-polar, with glutamic acid, which is acidic and polar, at codon 239 of the COL4A5 protein (p.Gly239Glu). This variant is not present in population databases (gnomAD no frequency). This missense change has been observed in individual(s) with Alport syndrome (PMID: 8940267). ClinVar contains an entry for this variant (Variation ID: 2737327). Invitae Evidence Modeling of protein sequence and biophysical properties (such as structural, functional, and spatial information, amino acid conservation, physicochemical variation, residue mobility, and thermodynamic stability) indicates that this missense variant is expected to disrupt COL4A5 protein function with a positive predictive value of 95%. This variant disrupts the triple helix domain of COL4A5. Glycine residues within the Gly-Xaa-Yaa repeats of the triple helix domain are required for the structure and stability of fibrillar collagens (PMID: 7695699, 8218237, 19344236). In COL4A5, missense variants at these glycine residues are significantly enriched in individuals with disease (PMID: 23720012, 27627812) compared to the general population (ExAC). In summary, the currently available evidence indicates that the variant is pathogenic, but additional data are needed to prove that conclusively. Therefore, this variant has been classified as Likely Pathogenic.

Literature cited by the submitters: PubMed 8940267; PubMed 7695699; PubMed 8218237; PubMed 19344236; PubMed 23720012; PubMed 27627812.

NM_033380.3(COL4A5):c.716G>A (p.Gly239Glu)

Gene: COL4A5 (collagen type IV alpha 5 chain; plus strand). Cytogenetic location: Xq22.3.
Variant type: single nucleotide variant.
Coding change: c.716G>A on transcript NM_033380.3 (MANE Select); coding-DNA position 716, G replaced by A.
Protein change: p.Gly239Glu; replaces glycine 239 with glutamic acid.
Molecular consequence: missense variant.
Genome position (GRCh38, 1-based): chrX:108,578,319, G>A. VCF-style: chrX-108578319-G-A. GRCh37 (hg19) VCF-style: chrX-107821549-G-A.
Other names: c.716G>A, p.Gly239Glu (NM_000495.5); short protein forms G239E.
Identifiers: ClinVar variation 2737327 (VCV002737327.3), dbSNP rs104886068, ClinGen allele CA258318.